The following is an entry in ClinVar:

NM_014339.7(IL17RA):c.770_774del (p.Pro257fs)

Gene: IL17RA (interleukin 17 receptor A; plus strand). Cytogenetic location: 22q11.1.
Variant type: Deletion.
Coding change: c.770_774del on transcript NM_014339.7 (MANE Select); coding-DNA positions 770 to 774, 5 bases deleted (CAGAA; older notation c.770_774delCAGAA).
Protein change: p.Pro257fs; shifts the reading frame from proline 257.
Molecular consequence: frameshift variant.
Genome position (GRCh38, 1-based): chr22:17,103,501-17,103,505, CAGAA deleted. VCF-style (leftmost placement, unchanged base first): chr22-17103500-CCAGAA-C. GRCh37 (hg19) VCF-style: chr22-17584390-CCAGAA-C.
Other names: c.770_774del5 (NM_014339.6); c.770_774del, p.Pro257fs (NM_001289905.2); short protein forms P257fs.
Identifiers: ClinVar variation 4994884 (VCV004994884.1).

ClinVar aggregate classification (germline): Likely pathogenic (1 of 4 stars; one submission).

Conditions:
IL17RA-related disorder. Also called: IL17RA-related condition.

Submission:

PreventionGenetics, part of Exact Sciences
Classification: Likely pathogenic for IL17RA-related condition. Last evaluated: 2026-04-06. Review status: criteria provided, single submitter. Criteria: ACMG Guidelines, 2015. Collection method: clinical testing. Allele origin: germline.
Comment: The IL17RA c.770_774del5 variant is predicted to result in a frameshift and premature protein termination (p.Pro257Argfs*16). To our knowledge, this variant has not been reported in the literature or in a large population database (gnomAD), indicating this variant is rare. Frameshift variants in IL17RA are expected to be pathogenic. This variant is interpreted as likely pathogenic.